The following is an entry in ClinVar:

ClinVar aggregate classification (germline): Uncertain significance (1 of 4 stars; one submission).

Conditions:
Primary ciliary dyskinesia. Also called: Ciliary dyskinesia. Identifiers: Orphanet 244, MedGen C0008780, MONDO:0016575, HP:0012265.

Submission:

Labcorp Genetics (formerly Invitae), Labcorp
Classification: Uncertain significance for Primary ciliary dyskinesia. Last evaluated: 2022-02-06. Review status: criteria provided, single submitter. Criteria: Invitae Variant Classification Sherloc (09022015). Collection method: clinical testing. Allele origin: germline.
Comment: In summary, the available evidence is currently insufficient to determine the role of this variant in disease. Therefore, it has been classified as a Variant of Uncertain Significance. Advanced modeling of protein sequence and biophysical properties (such as structural, functional, and spatial information, amino acid conservation, physicochemical variation, residue mobility, and thermodynamic stability) performed at Invitae indicates that this missense variant is not expected to disrupt DNAH5 protein function. This variant has not been reported in the literature in individuals affected with DNAH5-related conditions. This variant is not present in population databases (gnomAD no frequency). This sequence change replaces serine, which is neutral and polar, with arginine, which is basic and polar, at codon 1477 of the DNAH5 protein (p.Ser1477Arg).

NM_001369.3(DNAH5):c.4431C>A (p.Ser1477Arg)

Genes: DNAH5 (dynein axonemal heavy chain 5; minus strand), DNAH5-AS1 (DNAH5 antisense RNA 1; plus strand). Cytogenetic location: 5p15.2.
Variant type: single nucleotide variant.
Coding change: c.4431C>A on transcript NM_001369.3 (MANE Select); coding-DNA position 4431, C replaced by A.
Protein change: p.Ser1477Arg; replaces serine 1477 with arginine.
Molecular consequence: missense variant.
Genome position (GRCh38, 1-based): chr5:13,864,562, G>T on the plus strand (C>A on the coding strand, the complement: DNAH5 is on the minus strand). VCF-style: chr5-13864562-G-T. GRCh37 (hg19) VCF-style: chr5-13864671-G-T.
Other names: short protein forms S1477R.
Identifiers: ClinVar variation 1909100 (VCV001909100.5), dbSNP rs74451896, ClinGen allele CA359224271.
Genomic context (GRCh38, chr5:13,864,562, plus strand): 5'-TTCCCAGTGCCGCTCCATCATGGCTTTACTGGCCATGTATTCCAGCAGCGGGCAACACTC[G>T]CTGAAATCATCAATGATCTTCTTCAGGTCCAAAAAAGCCTGCCAGTCCTTCAAGGCCCGG-3'
Protein context (NP_001360.1, residues 1467-1487): LDLKKIIDDF[Ser1477Arg]ECCPLLEYMA